The following is an entry in ClinVar:

ClinVar aggregate classification (germline): Pathogenic (1 of 4 stars; one submission).

Submission:

Labcorp Genetics (formerly Invitae), Labcorp
Classification: Pathogenic. Last evaluated: 2021-04-16. Review status: criteria provided, single submitter. Criteria: Invitae Variant Classification Sherloc (09022015). Collection method: clinical testing. Allele origin: germline.
Comment: For these reasons, this variant has been classified as Pathogenic. Algorithms developed to predict the effect of sequence changes on RNA splicing suggest that this variant may create or strengthen a splice site, but this prediction has not been confirmed by published transcriptional studies. This variant has not been reported in the literature in individuals with RARS2-related conditions. This variant is not present in population databases (ExAC no frequency). This sequence change creates a premature translational stop signal (p.Trp241*) in the RARS2 gene. It is expected to result in an absent or disrupted protein product. Loss-of-function variants in RARS2 are known to be pathogenic (PMID: 17847012, 22569581, 26083569).

Literature cited by the submitters: PubMed 17847012; PubMed 22569581; PubMed 26083569.

NM_020320.5(RARS2):c.722G>A (p.Trp241Ter)

Gene: RARS2 (arginyl-tRNA synthetase 2, mitochondrial; minus strand). Cytogenetic location: 6q15.
Variant type: single nucleotide variant.
Coding change: c.722G>A on transcript NM_020320.5 (MANE Select); coding-DNA position 722, G replaced by A.
Protein change: p.Trp241Ter; replaces tryptophan 241 with a stop codon.
Molecular consequence: nonsense. On other transcripts: non-coding transcript variant (23).
Genome position (GRCh38, 1-based): chr6:87,530,833, C>T on the plus strand (G>A on the coding strand, the complement: RARS2 is on the minus strand). VCF-style: chr6-87530833-C-T. GRCh37 (hg19) VCF-style: chr6-88240551-C-T.
Other names: c.197G>A, p.Trp66Ter (NM_001318785.2, NM_001350506.2, NM_001350507.2 and 4 more transcripts); c.722G>A, p.Trp241Ter (NM_001350505.2); short protein forms W241*, W66*.
Identifiers: ClinVar variation 1454806 (VCV001454806.6), dbSNP rs2128063348, ClinGen allele CA364929396.